The following is an entry in ClinVar:

NM_022114.4(PRDM16):c.2225A>G (p.Asp742Gly)

Gene: PRDM16 (PR/SET domain 16; plus strand). Cytogenetic location: 1p36.32.
Variant type: single nucleotide variant.
Coding change: c.2225A>G on transcript NM_022114.4 (MANE Select); coding-DNA position 2225, A replaced by G.
Protein change: p.Asp742Gly; replaces aspartic acid 742 with glycine.
Molecular consequence: missense variant.
Genome position (GRCh38, 1-based): chr1:3,412,422, A>G. VCF-style: chr1-3412422-A-G. GRCh37 (hg19) VCF-style: chr1-3328986-A-G.
Other names: c.2225A>G, p.Asp742Gly (NM_199454.3); short protein forms D742G.
Identifiers: ClinVar variation 1421909 (VCV001421909.8), dbSNP rs1643707625, ClinGen allele CA337999942.

ClinVar aggregate classification (germline): Uncertain significance (1 of 4 stars; one submission).

Conditions:
Left ventricular noncompaction 8 (LVNC8). Identifiers: Orphanet 154, Orphanet 54260, MedGen C3809288, MONDO:0014152, OMIM 615373.

Allele frequency attached by ClinVar (database versions not stated): gnomAD exomes below 0.00001; TOPMed below 0.00001.
gnomAD v4.1: 3 of 1,612,390 alleles (0.00019%); highest among the groups gnomAD compares: Non-Finnish European, 0.00025%; no homozygotes.

Submission:

Labcorp Genetics (formerly Invitae), Labcorp
Classification: Uncertain significance for Left ventricular noncompaction 8. Last evaluated: 2021-01-11. Review status: criteria provided, single submitter. Criteria: Invitae Variant Classification Sherloc (09022015). Collection method: clinical testing. Allele origin: germline.
Comment: In summary, the available evidence is currently insufficient to determine the role of this variant in disease. Therefore, it has been classified as a Variant of Uncertain Significance. Algorithms developed to predict the effect of missense changes on protein structure and function are either unavailable or do not agree on the potential impact of this missense change (SIFT: "Deleterious"; PolyPhen-2: "Possibly Damaging"; Align-GVGD: "Class C15"). This variant has not been reported in the literature in individuals with PRDM16-related conditions. This variant is not present in population databases (ExAC no frequency). This sequence change replaces aspartic acid with glycine at codon 742 of the PRDM16 protein (p.Asp742Gly). The aspartic acid residue is highly conserved and there is a moderate physicochemical difference between aspartic acid and glycine.